The following is an entry in ClinVar:

NM_052844.4(DYNC2I2):c.464C>T (p.Pro155Leu)

Gene: DYNC2I2 (dynein 2 intermediate chain 2; minus strand). Cytogenetic location: 9q34.11.
Variant type: single nucleotide variant.
Coding change: c.464C>T on transcript NM_052844.4 (MANE Select); coding-DNA position 464, C replaced by T.
Protein change: p.Pro155Leu; replaces proline 155 with leucine.
Molecular consequence: missense variant.
Genome position (GRCh38, 1-based): chr9:128,636,999, G>A on the plus strand (C>T on the coding strand, the complement: DYNC2I2 is on the minus strand). VCF-style: chr9-128636999-G-A. GRCh37 (hg19) VCF-style: chr9-131399278-G-A.
Other names: short protein forms P155L.
Identifiers: ClinVar variation 2428803 (VCV002428803.3), dbSNP rs775372053, ClinGen allele CA5266597.

ClinVar aggregate classification (germline): Uncertain significance (1 of 4 stars; one submission).

Allele frequency attached by ClinVar (database versions not stated): TOPMed 0.00002; ExAC 0.00003; gnomAD 0.00003.
gnomAD v4.1: 23 of 1,613,182 alleles (0.0014%); highest among the groups gnomAD compares: South Asian, 0.0088%; no homozygotes.

Submission:

GeneDx
Classification: Uncertain significance. Last evaluated: 2022-08-04. Review status: criteria provided, single submitter. Criteria: GeneDx Variant Classification Process June 2021. Collection method: clinical testing. Allele origin: germline. Affected: yes.
Comment: In silico analysis supports that this missense variant has a deleterious effect on protein structure/function; Has not been previously published as pathogenic or benign to our knowledge